The following is an entry in ClinVar:

ClinVar aggregate classification (germline): Pathogenic (1 of 4 stars; one submission).

Submission:

Labcorp Genetics (formerly Invitae), Labcorp
Classification: Pathogenic. Last evaluated: 2020-01-10. Review status: criteria provided, single submitter. Criteria: Invitae Variant Classification Sherloc (09022015). Collection method: clinical testing. Allele origin: germline.
Comment: For these reasons, this variant has been classified as Pathogenic. Loss-of-function variants in PHEX are known to be pathogenic (PMID: 9097956, 9106524, 19219621). This variant has not been reported in the literature in individuals with PHEX-related conditions. This variant is a gross deletion of the genomic region encompassing exons 1-15 of the PHEX gene, which includes the initiator codon. The 5' end of this event is unknown as it extends beyond the assayed region for this gene and therefore may encompass additional genes. The 3' boundary is likely confined to intron 15 of the PHEX gene. This is expected to result in an absent or disrupted protein product.

Literature cited by the submitters: PubMed 9097956; PubMed 9106524; PubMed 19219621.

NC_000023.10:g.(?_21958943)_(22208619_?)del

Genes: PHEX (phosphate regulating endopeptidase X-linked; plus strand), SMS (spermine synthase; plus strand). Cytogenetic location: Xp22.11.
Variant type: Deletion.
Identifiers: ClinVar variation 1071856 (VCV001071856.5).